The following is an entry in ClinVar:

NM_000362.5(TIMP3):c.7C>T (p.Pro3Ser)

Genes: SYN3 (synapsin III; minus strand), TIMP3 (TIMP metallopeptidase inhibitor 3; plus strand). Cytogenetic location: 22q12.3.
Variant type: single nucleotide variant.
Coding change: c.7C>T on transcript NM_000362.5 (MANE Select); coding-DNA position 7, C replaced by T.
Protein change: p.Pro3Ser; replaces proline 3 with serine.
Molecular consequence: missense variant. On other transcripts: intron variant (7).
Genome position (GRCh38, 1-based): chr22:32,802,008, C>T. VCF-style: chr22-32802008-C-T. GRCh37 (hg19) VCF-style: chr22-33197994-C-T.
Other names: c.708+62907G>A (NM_001369909.1, NM_001135774.2, NM_001369910.1); c.711+62907G>A (NM_001369907.1, NM_003490.4, NM_001369908.1 and 1 more transcripts); short protein forms P3S.
Identifiers: ClinVar variation 965689 (VCV000965689.10), dbSNP rs777890618, ClinGen allele CA10202142.

ClinVar aggregate classification (germline): Uncertain significance. Review status: criteria provided, multiple submitters, no conflicts (2 of 4 stars). 3 submissions from 3 submitters: Uncertain significance (3). Last evaluated 2026-07-31.

Conditions:
TIMP3-related disorder. Also called: TIMP3-related condition.

Allele frequency attached by ClinVar (database versions not stated): gnomAD 0.00001.
gnomAD v4.1: 26 of 1,583,628 alleles (0.0016%); highest among the groups gnomAD compares: Admixed American, 0.0053%; no homozygotes.

Submissions (3):

PreventionGenetics, part of Exact Sciences
Classification: Uncertain significance for TIMP3-related condition. Last evaluated: 2026-07-31. Review status: criteria provided, single submitter. Criteria: ACMG Guidelines, 2015. Collection method: clinical testing. Allele origin: germline.
Comment: The TIMP3 c.7C>T variant is predicted to result in the amino acid substitution p.Pro3Ser. To our knowledge, this variant has not been reported in the literature. This variant is reported in 0.0033% of alleles in individuals of Latino descent in gnomAD. At this time, the clinical significance of this variant is uncertain due to the absence of conclusive functional and genetic evidence.

Labcorp Genetics (formerly Invitae), Labcorp
Classification: Uncertain significance. Last evaluated: 2024-12-02. Review status: criteria provided, single submitter. Criteria: Invitae Variant Classification Sherloc (09022015). Collection method: clinical testing. Allele origin: germline.
Comment: This sequence change replaces proline, which is neutral and non-polar, with serine, which is neutral and polar, at codon 3 of the TIMP3 protein (p.Pro3Ser). The frequency data for this variant in the population databases is considered unreliable, as metrics indicate poor data quality at this position in the gnomAD database. This variant has not been reported in the literature in individuals affected with TIMP3-related conditions. ClinVar contains an entry for this variant (Variation ID: 965689). An algorithm developed to predict the effect of missense changes on protein structure and function (PolyPhen-2) suggests that this variant is likely to be tolerated. In summary, the available evidence is currently insufficient to determine the role of this variant in disease. Therefore, it has been classified as a Variant of Uncertain Significance.

Breakthrough Genomics
Classification: Uncertain significance. Review status: criteria provided, single submitter. Criteria: ACMG Guidelines, 2015. Collection method: not provided. Allele origin: germline. Inheritance: Autosomal dominant inheritance. Affected: yes.